The following is an entry in ClinVar:

NM_138295.5(PKD1L1):c.2388C>T (p.Thr796=)

Gene: PKD1L1 (polycystin 1 like 1, transient receptor potential channel interacting; minus strand). Cytogenetic location: 7p12.3.
Variant type: single nucleotide variant.
Coding change: c.2388C>T on transcript NM_138295.5 (MANE Select); coding-DNA position 2388, C replaced by T.
Protein change: p.Thr796=; no amino-acid change (threonine 796 retained).
Molecular consequence: synonymous variant.
Genome position (GRCh38, 1-based): chr7:47,893,943, G>A on the plus strand (C>T on the coding strand, the complement: PKD1L1 is on the minus strand). VCF-style: chr7-47893943-G-A. GRCh37 (hg19) VCF-style: chr7-47933540-G-A.
Identifiers: ClinVar variation 4988120 (VCV004988120.1).

ClinVar aggregate classification (germline): Likely benign (1 of 4 stars; one submission).

Conditions:
PKD1L1-related disorder. Also called: PKD1L1-related condition.

gnomAD v4.1: 60 of 1,613,964 alleles (0.0037%); highest among the groups gnomAD compares: South Asian, 0.018%; no homozygotes.

Submission:

PreventionGenetics, part of Exact Sciences
Classification: Likely benign for PKD1L1-related condition. Last evaluated: 2025-03-24. Review status: criteria provided, single submitter. Criteria: ACMG Guidelines, 2015. Collection method: clinical testing. Allele origin: germline.
Comment: This variant is classified as likely benign based on ACMG/AMP sequence variant interpretation guidelines (Richards et al. 2015 PMID: 25741868, with internal and published modifications).